The following is an entry in ClinVar:

ClinVar aggregate classification (germline): Uncertain significance (1 of 4 stars; one submission).

Submission:

Labcorp Genetics (formerly Invitae), Labcorp
Classification: Uncertain significance. Last evaluated: 2024-08-07. Review status: criteria provided, single submitter. Criteria: Invitae Variant Classification Sherloc (09022015). Collection method: clinical testing. Allele origin: germline.
Comment: This sequence change replaces alanine, which is neutral and non-polar, with serine, which is neutral and polar, at codon 276 of the TRPC6 protein (p.Ala276Ser). This variant is not present in population databases (gnomAD no frequency). This variant has not been reported in the literature in individuals affected with TRPC6-related conditions. Advanced modeling of protein sequence and biophysical properties (such as structural, functional, and spatial information, amino acid conservation, physicochemical variation, residue mobility, and thermodynamic stability) performed at Invitae indicates that this missense variant is not expected to disrupt TRPC6 protein function with a negative predictive value of 80%. In summary, the available evidence is currently insufficient to determine the role of this variant in disease. Therefore, it has been classified as a Variant of Uncertain Significance.

NM_004621.6(TRPC6):c.826G>T (p.Ala276Ser)

Gene: TRPC6 (transient receptor potential cation channel subfamily C member 6; minus strand). Cytogenetic location: 11q22.1.
Variant type: single nucleotide variant.
Coding change: c.826G>T on transcript NM_004621.6 (MANE Select); coding-DNA position 826, G replaced by T.
Protein change: p.Ala276Ser; replaces alanine 276 with serine.
Molecular consequence: missense variant.
Genome position (GRCh38, 1-based): chr11:101,504,143, C>A on the plus strand (G>T on the coding strand, the complement: TRPC6 is on the minus strand). VCF-style: chr11-101504143-C-A. GRCh37 (hg19) VCF-style: chr11-101374874-C-A.
Other names: short protein forms A276S.
Identifiers: ClinVar variation 3694547 (VCV003694547.2).
Genomic context (GRCh38, chr11:101,504,143, plus strand): 5'-TCATGACTGGATCTTCACTAGACAATGACAGGTAAGCCGGACTTGCCAGGCCTTTATAGG[C>A]ATTAATCCTAGATCTGGAGTGGCTAAACGAGTCATGCTTCTGTTTCTGGTTGCAGTCATT-3'
Protein context (NP_004612.2, residues 266-286): SFSHSRSRIN[Ala276Ser]YKGLASPAYL